The following is an entry in ClinVar:

NM_003283.6(TNNT1):c.757G>A (p.Val253Met)

Gene: TNNT1 (troponin T1, slow skeletal type; minus strand). Cytogenetic location: 19q13.42.
Variant type: single nucleotide variant.
Coding change: c.757G>A on transcript NM_003283.6 (MANE Select); coding-DNA position 757, G replaced by A.
Protein change: p.Val253Met; replaces valine 253 with methionine.
Molecular consequence: missense variant.
Genome position (GRCh38, 1-based): chr19:55,133,921, C>T on the plus strand (G>A on the coding strand, the complement: TNNT1 is on the minus strand). VCF-style: chr19-55133921-C-T. GRCh37 (hg19) VCF-style: chr19-55645289-C-T.
Other names: c.709G>A, p.Val237Met (NM_001126132.3); c.676G>A, p.Val226Met (NM_001126133.3, NM_001291774.2); short protein forms V253M, V226M, V237M.
Identifiers: ClinVar variation 330191 (VCV000330191.12), dbSNP rs572119503, ClinGen allele CA10643266.

ClinVar aggregate classification (germline): Uncertain significance. Review status: criteria provided, multiple submitters, no conflicts (2 of 4 stars). 2 submissions from 2 submitters: Uncertain significance (2). Last evaluated 2021-02-16.

Conditions:
Nemaline myopathy 5 (NEM5A). Also called: NEMALINE MYOPATHY, AMISH TYPE; Nemaline myopathy 5, Amish type; NEMALINE MYOPATHY 5A, AUTOSOMAL RECESSIVE, SEVERE INFANTILE. Identifiers: Orphanet 98902, MedGen C1854380, MONDO:0011539, OMIM 605355.

Allele frequency attached by ClinVar (database versions not stated): TOPMed 0.00001; gnomAD 0.00002 and 0.00001; 1000 Genomes Project 30x 0.00016; 1000 Genomes Project 0.00020; gnomAD exomes below 0.00001.

Submissions (2):

Labcorp Genetics (formerly Invitae), Labcorp
Classification: Uncertain significance for Nemaline myopathy 5. Last evaluated: 2021-02-16. Review status: criteria provided, single submitter. Criteria: Invitae Variant Classification Sherloc (09022015). Collection method: clinical testing. Allele origin: germline.
Comment: This sequence change replaces valine with methionine at codon 253 of the TNNT1 protein (p.Val253Met). The valine residue is moderately conserved and there is a small physicochemical difference between valine and methionine. This variant is not present in population databases (ExAC no frequency). This variant has not been reported in the literature in individuals with TNNT1-related conditions. ClinVar contains an entry for this variant (Variation ID: 330191). Algorithms developed to predict the effect of missense changes on protein structure and function are either unavailable or do not agree on the potential impact of this missense change (SIFT: "Tolerated"; PolyPhen-2: "Possibly Damaging"; Align-GVGD: "Class C0"). In summary, the available evidence is currently insufficient to determine the role of this variant in disease. Therefore, it has been classified as a Variant of Uncertain Significance.

Illumina Laboratory Services, Illumina
Classification: Uncertain significance for Nemaline myopathy 5. Last evaluated: 2018-01-13. Review status: criteria provided, single submitter. Criteria: ICSL Variant Classification Criteria 13 December 2019. Collection method: clinical testing. Allele origin: germline.